The following is an entry in ClinVar:

NM_000136.3(FANCC):c.1636C>G (p.Leu546Val)

Genes: FANCC (FA complementation group C; minus strand), AOPEP (aminopeptidase O (putative); plus strand). Cytogenetic location: 9q22.32.
Variant type: single nucleotide variant.
Coding change: c.1636C>G on transcript NM_000136.3 (MANE Select); coding-DNA position 1636, C replaced by G.
Protein change: p.Leu546Val; replaces leucine 546 with valine.
Molecular consequence: missense variant.
Genome position (GRCh38, 1-based): chr9:95,101,748, G>C on the plus strand (C>G on the coding strand, the complement: FANCC is on the minus strand). VCF-style: chr9-95101748-G-C. GRCh37 (hg19) VCF-style: chr9-97864030-G-C.
Other names: c.1636C>G, p.Leu546Val (NM_001243743.2); short protein forms L546V.
Identifiers: ClinVar variation 951963 (VCV000951963.14), dbSNP rs2071083777, ClinGen allele CA374104339.

ClinVar aggregate classification (germline): Uncertain significance. Review status: criteria provided, multiple submitters, no conflicts (2 of 4 stars). 4 submissions from 4 submitters: Uncertain significance (3). 1 of the submissions does not count toward it. Last evaluated 2022-07-26.

Conditions:
Hereditary cancer-predisposing syndrome. Also called: Tumor predisposition; Hereditary neoplastic syndrome; Neoplastic Syndromes, Hereditary; Hereditary Cancer Syndrome. Identifiers: Orphanet 140162, MedGen C0027672, MeSH D009386, MONDO:0015356.
Fanconi anemia (FA). Also called: Fanconi's anemia. Identifiers: Orphanet 84, MedGen C0015625, MeSH D005199, MONDO:0019391.

Allele frequency attached by ClinVar (database versions not stated): gnomAD exomes below 0.00001.
gnomAD v4.1: 1 of 1,614,156 alleles (0.000062%); no homozygotes.

Submissions (4):

Ambry Genetics
Classification: Uncertain significance for Hereditary cancer-predisposing syndrome. Last evaluated: 2022-07-26. Review status: criteria provided, single submitter. Criteria: Ambry Variant Classification Scheme 2023. Collection method: clinical testing. Allele origin: germline.
Comment: The p.L546V variant (also known as c.1636C>G), located in coding exon 14 of the FANCC gene, results from a C to G substitution at nucleotide position 1636. The leucine at codon 546 is replaced by valine, an amino acid with highly similar properties. This variant was also observed in 1/3251 individuals who met eligibility criteria for hereditary breast and ovarian cancer syndrome (Lerner-Ellis J et al. J Cancer Res Clin Oncol, 2021 Mar;147:871-879). This amino acid position is well conserved in available vertebrate species. In addition, this alteration is predicted to be tolerated by in silico analysis. Since supporting evidence is limited at this time, the clinical significance of this alteration remains unclear.

GeneDx
Classification: Uncertain significance. Last evaluated: 2020-03-17. Review status: criteria provided, single submitter. Criteria: GeneDx Variant Classification Process June 2021. Collection method: clinical testing. Allele origin: germline. Affected: yes.
Comment: Not observed in large population cohorts (Lek 2016); In silico analysis supports that this missense variant does not alter protein structure/function; Has not been previously published as pathogenic or benign to our knowledge

Labcorp Genetics (formerly Invitae), Labcorp
Classification: Uncertain significance for Fanconi anemia. Last evaluated: 2019-06-16. Review status: criteria provided, single submitter. Criteria: Invitae Variant Classification Sherloc (09022015). Collection method: clinical testing. Allele origin: germline.
Comment: This sequence change replaces leucine with valine at codon 546 of the FANCC protein (p.Leu546Val). The leucine residue is moderately conserved and there is a small physicochemical difference between leucine and valine. This variant is not present in population databases (ExAC no frequency). This variant has not been reported in the literature in individuals with FANCC-related conditions. Algorithms developed to predict the effect of missense changes on protein structure and function output the following: SIFT: "Tolerated"; PolyPhen-2: "Possibly Damaging"; Align-GVGD: "Class C0". The valine amino acid residue is found in multiple mammalian species, suggesting that this missense change does not adversely affect protein function. These predictions have not been confirmed by published functional studies and their clinical significance is uncertain. In summary, the available evidence is currently insufficient to determine the role of this variant in disease. Therefore, it has been classified as a Variant of Uncertain Significance.

Department of Pathology and Laboratory Medicine, Sinai Health System
Classification: Uncertain significance. Review status: no assertion criteria provided. Collection method: clinical testing. Allele origin: unknown. Affected: yes. Study: The Canadian Open Genetics Repository (COGR). Not counted in ClinVar's aggregate classification.
Comment: The FANCC p.Leu546Val variant was not identified in the literature nor was it identified in the dbSNP, ClinVar, Cosmic, MutDB, or LOVD 3.0 databases. The variant was not identified in the following control databases: the Exome Aggregation Consortium (August 8th 2016) or the Genome Aggregation Database (Feb 27, 2017). The p.Leu546 residue is conserved in in mammals but not in more distantly related organisms however computational analyses (PolyPhen-2, SIFT, AlignGVGD, BLOSUM, MutationTaster) do not suggest a high likelihood of impact of the variant Val to the protein; this information is not predictive enough to rule out pathogenicity. The variant occurs outside of the splicing consensus sequence and in silico or computational prediction software programs (SpliceSiteFinder, MaxEntScan, NNSPLICE, GeneSplicer) do not predict a difference in splicing. In summary, based on the above information, the clinical significance of this variant cannot be determined with certainty at this time. This variant is classified as a variant of uncertain significance.

Literature cited by the submitters: PubMed 32885271 (cited by Ambry Genetics).